The following is an entry in ClinVar:

ClinVar aggregate classification (germline): Uncertain significance (1 of 4 stars; one submission).

Conditions:
Spastic paraplegia. Identifiers: MedGen C0037772, HP:0001258.

Submission:

Labcorp Genetics (formerly Invitae), Labcorp
Classification: Uncertain significance for Spastic paraplegia. Last evaluated: 2022-08-27. Review status: criteria provided, single submitter. Criteria: Invitae Variant Classification Sherloc (09022015). Collection method: clinical testing. Allele origin: germline.
Comment: In summary, the available evidence is currently insufficient to determine the role of this variant in disease. Therefore, it has been classified as a Variant of Uncertain Significance. Advanced modeling of protein sequence and biophysical properties (such as structural, functional, and spatial information, amino acid conservation, physicochemical variation, residue mobility, and thermodynamic stability) performed at Invitae indicates that this missense variant is expected to disrupt KIF5A protein function. This variant has not been reported in the literature in individuals affected with KIF5A-related conditions. This variant is not present in population databases (gnomAD no frequency). This sequence change replaces threonine, which is neutral and polar, with alanine, which is neutral and non-polar, at codon 298 of the KIF5A protein (p.Thr298Ala).

NM_004984.4(KIF5A):c.892A>G (p.Thr298Ala)

Gene: KIF5A (kinesin family member 5A; plus strand). Cytogenetic location: 12q13.3.
Variant type: single nucleotide variant.
Coding change: c.892A>G on transcript NM_004984.4 (MANE Select); coding-DNA position 892, A replaced by G.
Protein change: p.Thr298Ala; replaces threonine 298 with alanine.
Molecular consequence: missense variant.
Genome position (GRCh38, 1-based): chr12:57,569,328, A>G. VCF-style: chr12-57569328-A-G. GRCh37 (hg19) VCF-style: chr12-57963111-A-G.
Other names: c.625A>G, p.Thr209Ala (NM_001354705.2); short protein forms T209A, T298A.
Identifiers: ClinVar variation 1718083 (VCV001718083.5), dbSNP rs2540499881, ClinGen allele CA385500725.